The following is an entry in ClinVar:

ClinVar aggregate classification (germline): Likely benign. Review status: criteria provided, multiple submitters, no conflicts (2 of 4 stars). 2 submissions from 2 submitters: Likely benign (2). Last evaluated 2026-09-01.

Conditions:
Hereditary sensory and autonomic neuropathy type 6. Also called: Neuropathy, hereditary sensory and autonomic, type VI; HSAN VI. Identifiers: Orphanet 314381, MedGen C3539003, MONDO:0013839, OMIM 614653.
Epidermolysis bullosa simplex 3, localized or generalized intermediate, with BP230 deficiency (EBS3). Also called: Epidermolysis bullosa simplex due to BP230 deficiency; Epidermolysis bullosa simplex, autosomal recessive 2. Identifiers: Orphanet 412181, MedGen C3809470, MONDO:0014180, OMIM 615425.

Allele frequency attached by ClinVar (database versions not stated): gnomAD 0.00001; gnomAD exomes 0.00001 and 0.00002; ExAC 0.00002; ESP Exome Variant Server 0.00008.
gnomAD v4.1: 17 of 1,613,970 alleles (0.0011%); highest among the groups gnomAD compares: East Asian, 0.0022%; no homozygotes.

Submissions (2):

CeGaT Center for Human Genetics Tuebingen
Classification: Likely benign. Last evaluated: 2026-09-01. Review status: criteria provided, single submitter. Criteria: CeGaT Center For Human Genetics Tuebingen Variant Classification Criteria Version 2. Collection method: clinical testing. Allele origin: germline. Affected: yes. Observed: 2 variant alleles.
Comment: DST: BP4, BP7

Labcorp Genetics (formerly Invitae), Labcorp
Classification: Likely benign for Epidermolysis bullosa simplex 3, localized or generalized intermediate, with BP230 deficiency; Hereditary sensory and autonomic neuropathy type 6. Last evaluated: 2020-01-31. Review status: criteria provided, single submitter. Criteria: Invitae Variant Classification Sherloc (09022015). Collection method: clinical testing. Allele origin: germline.

NM_001723.7(DST):c.141C>T (p.Phe47=)

Gene: DST (dystonin; minus strand). Cytogenetic location: 6p12.1.
Variant type: single nucleotide variant.
Coding change: c.141C>T on transcript NM_001723.7 (MANE Plus Clinical); coding-DNA position 141, C replaced by T.
Protein change: p.Phe47=; no amino-acid change (phenylalanine 47 retained).
Molecular consequence: synonymous variant. On other transcripts: intron variant (9).
Genome position (GRCh38, 1-based): chr6:56,642,648, G>A on the plus strand (C>T on the coding strand, the complement: DST is on the minus strand). VCF-style: chr6-56642648-G-A. GRCh37 (hg19) VCF-style: chr6-56507446-G-A.
Other names: c.141C>T, p.Phe47= (NM_015548.5); c.1680-145C>T (NM_001144769.5); c.1779-145C>T (NM_001374722.1, NM_001374736.1); c.1806-145C>T (NM_001374734.1); c.1266-145C>T (NM_001144770.2); c.1146-145C>T (NM_001374730.1, NM_001386100.1, NM_183380.4 and 1 more transcripts).
Identifiers: ClinVar variation 1130619 (VCV001130619.13), dbSNP rs141587299, ClinGen allele CA3871584.